The following is an entry in ClinVar:

ClinVar aggregate classification (germline): Uncertain significance. Review status: criteria provided, multiple submitters, no conflicts (2 of 4 stars). 2 submissions from 2 submitters: Uncertain significance (2). Last evaluated 2024-09-17.

gnomAD v4.1: 4 of 1,613,820 alleles (0.00025%); highest among the groups gnomAD compares: Admixed American, 0.0067%; no homozygotes.

Submissions (2):

GeneDx
Classification: Uncertain significance. Last evaluated: 2024-09-17. Review status: criteria provided, single submitter. Criteria: GeneDx Variant Classification Process June 2021. Collection method: clinical testing. Allele origin: germline. Affected: yes.
Comment: In silico analysis supports that this missense variant has a deleterious effect on protein structure/function; Has not been previously published as pathogenic or benign to our knowledge

Labcorp Genetics (formerly Invitae), Labcorp
Classification: Uncertain significance. Last evaluated: 2024-04-09. Review status: criteria provided, single submitter. Criteria: Invitae Variant Classification Sherloc (09022015). Collection method: clinical testing. Allele origin: germline.
Comment: This sequence change replaces asparagine, which is neutral and polar, with serine, which is neutral and polar, at codon 144 of the MYO7A protein (p.Asn144Ser). This variant is present in population databases (rs782009482, gnomAD 0.006%). This variant has not been reported in the literature in individuals affected with MYO7A-related conditions. Advanced modeling of protein sequence and biophysical properties (such as structural, functional, and spatial information, amino acid conservation, physicochemical variation, residue mobility, and thermodynamic stability) performed at Invitae indicates that this missense variant is not expected to disrupt MYO7A protein function with a negative predictive value of 95%. In summary, the available evidence is currently insufficient to determine the role of this variant in disease. Therefore, it has been classified as a Variant of Uncertain Significance.

NM_000260.4(MYO7A):c.431A>G (p.Asn144Ser)

Gene: MYO7A (myosin VIIA; plus strand). Cytogenetic location: 11q13.5.
Variant type: single nucleotide variant.
Coding change: c.431A>G on transcript NM_000260.4 (MANE Select); coding-DNA position 431, A replaced by G.
Protein change: p.Asn144Ser; replaces asparagine 144 with serine.
Molecular consequence: missense variant.
Genome position (GRCh38, 1-based): chr11:77,156,052, A>G. VCF-style: chr11-77156052-A-G. GRCh37 (hg19) VCF-style: chr11-76867098-A-G.
Other names: c.431A>G, p.Asn144Ser (NM_001127180.2); c.398A>G, p.Asn133Ser (NM_001369365.1); c.431A>G (NM_000260.3); short protein forms N133S, N144S.
Identifiers: ClinVar variation 3627290 (VCV003627290.3).
Genomic context (GRCh38, chr11:77,156,052, plus strand): 5'-ACAAGAAGATTGGGGAGATGCCCCCCCACATCTTTGCCATTGCTGACAACTGCTACTTCA[A>G]CATGAAACGCAACAGCCGAGACCAGTGCTGCATCATCAGGTGGGCGGCCCAGCACCTGTG-3'
Protein context (NP_000251.3, residues 134-154): IFAIADNCYF[Asn144Ser]MKRNSRDQCC